The following is an entry in ClinVar:

ClinVar aggregate classification (germline): Conflicting classifications of pathogenicity. Review status: criteria provided, conflicting classifications (1 of 4 stars). 14 submissions from 10 submitters: Uncertain significance (3); Benign (4); Likely benign (6). 1 of the submissions does not count toward it. Last evaluated 2026-01-30.

Conditions:
TTN-related disorder. Also called: TTN-related disorders; TTN-related condition; TTN-related disease.
Dilated cardiomyopathy 1G (CMD1G). Identifiers: Orphanet 154, MedGen C1858763, MONDO:0011400, OMIM 604145.
Autosomal recessive limb-girdle muscular dystrophy type 2J (LGMDR10). Also called: Limb-girdle muscular dystrophy, type 2J; MUSCULAR DYSTROPHY, LIMB-GIRDLE, AUTOSOMAL RECESSIVE 10. Identifiers: Orphanet 140922, MedGen C1837342, MONDO:0012127, OMIM 608807.
Cardiomyopathy (CMYO). Also called: Cardiomyopathies. Identifiers: Orphanet 167848, MedGen C0878544, MONDO:0004994, HP:0001638. Inheritance: Various modes of inheritance.
Early-onset myopathy with fatal cardiomyopathy (CMYO5). Also called: CONGENITAL MYOPATHY 5 WITH CARDIOMYOPATHY; Salih Myopathy. Identifiers: Orphanet 289377, MedGen C2673677, MONDO:0012714, OMIM 611705. Disease mechanism: loss of function.
Myopathy, myofibrillar, 9, with early respiratory failure (MFM9). Also called: MYOPATHY, PROXIMAL, WITH EARLY RESPIRATORY MUSCLE INVOLVEMENT; Myopathy, distal, with early respiratory failure, autosomal dominant; Hereditary myopathy with early respiratory failure; EDSTROM MYOPATHY. Identifiers: Orphanet 178464, Orphanet 34521, MedGen C1863599, MONDO:0011362, OMIM 603689.
Tibial muscular dystrophy (TMD). Also called: Tibial muscular dystrophy, tardive; UDD MYOPATHY; Udd Distal Myopathy – Tibial Muscular Dystrophy. Identifiers: Orphanet 609, MedGen C1838244, MONDO:0010870, OMIM 600334.

Allele frequency attached by ClinVar (database versions not stated): gnomAD 0.00017 and 0.00021; TOPMed 0.00033; ExAC 0.00053; gnomAD exomes 0.00056; 1000 Genomes Project 30x 0.00094; 1000 Genomes Project 0.00100.
gnomAD v4.1: 247 of 1,614,060 alleles (0.015%); highest among the groups gnomAD compares: East Asian, 0.5%; no homozygotes.

Submissions (14):

Labcorp Genetics (formerly Invitae), Labcorp
Classification: Benign for Dilated cardiomyopathy 1G; Autosomal recessive limb-girdle muscular dystrophy type 2J. Last evaluated: 2026-01-30. Review status: criteria provided, single submitter. Criteria: Invitae Variant Classification Sherloc (09022015). Collection method: clinical testing. Allele origin: germline.

Molecular Diagnostic Laboratory for Inherited Cardiovascular Disease, Montreal Heart Institute
Classification: Likely benign. Last evaluated: 2025-07-24. Review status: criteria provided, single submitter. Criteria: ACMG Guidelines, 2015. Collection method: clinical testing. Allele origin: germline. Affected: no.

Women's Health and Genetics/Laboratory Corporation of America, LabCorp
Classification: Likely benign. Last evaluated: 2023-08-19. Review status: criteria provided, single submitter. Criteria: LabCorp Variant Classification Summary - May 2015. Collection method: clinical testing. Allele origin: germline.

CHEO Genetics Diagnostic Laboratory, Children's Hospital of Eastern Ontario
Classification: Benign for Cardiomyopathy. Last evaluated: 2021-01-29. Review status: criteria provided, single submitter. Criteria: ACMG Guidelines, 2015. Collection method: clinical testing. Allele origin: germline.

GeneDx
Classification: Likely benign. Last evaluated: 2020-08-12. Review status: criteria provided, single submitter. Criteria: GeneDx Variant Classification Process June 2021. Collection method: clinical testing. Allele origin: germline. Affected: yes.

Center for Advanced Laboratory Medicine, UC San Diego Health, University of California San Diego
Classification: Likely benign for Cardiomyopathy. Last evaluated: 2019-01-31. Review status: criteria provided, single submitter. Criteria: ACMG Guidelines, 2015. Collection method: clinical testing. Allele origin: germline. Affected: yes. Observed: 1 variant allele.

Illumina Laboratory Services, Illumina
Classification: Uncertain significance for Autosomal recessive limb-girdle muscular dystrophy type 2J. Last evaluated: 2017-04-27. Review status: criteria provided, single submitter. Criteria: ICSL Variant Classification Criteria 13 December 2019. Collection method: clinical testing. Allele origin: germline.

Illumina Laboratory Services, Illumina
Classification: Benign for Tibial muscular dystrophy. Last evaluated: 2017-04-27. Review status: criteria provided, single submitter. Criteria: ICSL Variant Classification Criteria 13 December 2019. Collection method: clinical testing. Allele origin: germline.
Comment: This variant was observed as part of a predisposition screen in an ostensibly healthy population. A literature search was performed for the gene, cDNA change, and amino acid change (where applicable). No publications were found based on this search. Allele frequency data from public databases was too high to be consistent with this variant causing disease. Therefore, this variant is classified as benign.

Illumina Laboratory Services, Illumina
Classification: Uncertain significance for Early-onset myopathy with fatal cardiomyopathy. Last evaluated: 2017-04-27. Review status: criteria provided, single submitter. Criteria: ICSL Variant Classification Criteria 13 December 2019. Collection method: clinical testing. Allele origin: germline.

Illumina Laboratory Services, Illumina
Classification: Benign for Myopathy, myofibrillar, 9, with early respiratory failure. Last evaluated: 2017-04-27. Review status: criteria provided, single submitter. Criteria: ICSL Variant Classification Criteria 13 December 2019. Collection method: clinical testing. Allele origin: germline.
Comment: the same text as in the submission from Illumina Laboratory Services, Illumina above.

Illumina Laboratory Services, Illumina
Classification: Likely benign for Dilated cardiomyopathy 1G. Last evaluated: 2017-04-27. Review status: criteria provided, single submitter. Criteria: ICSL Variant Classification Criteria 13 December 2019. Collection method: clinical testing. Allele origin: germline.
Comment: This variant was observed as part of a predisposition screen in an ostensibly healthy population. A literature search was performed for the gene, cDNA change, and amino acid change (where applicable). No publications were found based on this search. Allele frequency data from public databases allowed determination this variant is unlikely to cause disease. Therefore, this variant is classified as likely benign.

Biesecker Lab/Clinical Genomics Section, National Institutes of Health
Classification: Uncertain significance. Last evaluated: 2013-06-24. Review status: criteria provided, single submitter. Criteria: Ng et al. (Circ Cardiovasc Genet. 2013). Collection method: research. Allele origin: unknown. Observed: 1 variant allele. Study: ClinSeq.
Comment: The study set was not selected for affection status in relation to any cancer. Pathogenicity categories were based on literature curation. See Pubmed ID:23861362 for details.

Medical sequencing

Laboratory for Molecular Medicine, Mass General Brigham Personalized Medicine
Classification: Likely benign. Last evaluated: 2013-02-01. Review status: criteria provided, single submitter. Criteria: LMM Criteria. Collection method: clinical testing. Allele origin: germline. Observed: 2 variant alleles.
Comment: Ala570Val in exon 11 of TTN: This variant is not expected to have clinical signi ficance because it has been identified in 1% (4/394) of Han Chinese control chro mosomes from a broad population by the 1000 Genomes Project (dbSNP rs146690035). Ala570Val in exon 11 of TTN (rs145590035; allele frequency = 1.0%, 3/194)

PreventionGenetics, part of Exact Sciences
Classification: Likely benign for TTN-related condition. Last evaluated: 2023-11-22. Review status: no assertion criteria provided. Collection method: clinical testing. Allele origin: germline. Not counted in ClinVar's aggregate classification.
Comment: This variant is classified as likely benign based on ACMG/AMP sequence variant interpretation guidelines (Richards et al. 2015 PMID: 25741868, with internal and published modifications).

NM_001267550.2(TTN):c.1709C>T (p.Ala570Val)

Gene: TTN (titin; minus strand). Cytogenetic location: 2q31.2.
Variant type: single nucleotide variant.
Coding change: c.1709C>T on transcript NM_001267550.2 (MANE Select); coding-DNA position 1709, C replaced by T.
Protein change: p.Ala570Val; replaces alanine 570 with valine.
Molecular consequence: missense variant. On other transcripts: intron variant (3).
Genome position (GRCh38, 1-based): chr2:178,790,799, G>A on the plus strand (C>T on the coding strand, the complement: TTN is on the minus strand). VCF-style: chr2-178790799-G-A. GRCh37 (hg19) VCF-style: chr2-179655526-G-A.
Other names: c.1709C>T, p.Ala570Val (NM_133379.5, NM_001256850.1, NM_133378.4); c.1663-684C>T (NM_003319.4, NM_133437.4, NM_133432.3); short protein forms A570V.
Identifiers: ClinVar variation 46676 (VCV000046676.27), dbSNP rs146690035, ClinGen allele CA138935.